The following is an entry in ClinVar:

NM_014363.6(SACS):c.10079G>A (p.Ser3360Asn)

Gene: SACS (sacsin molecular chaperone; minus strand). Cytogenetic location: 13q12.12.
Variant type: single nucleotide variant.
Coding change: c.10079G>A on transcript NM_014363.6 (MANE Select); coding-DNA position 10079, G replaced by A.
Protein change: p.Ser3360Asn; replaces serine 3360 with asparagine.
Molecular consequence: missense variant.
Genome position (GRCh38, 1-based): chr13:23,333,797, C>T on the plus strand (G>A on the coding strand, the complement: SACS is on the minus strand). VCF-style: chr13-23333797-C-T. GRCh37 (hg19) VCF-style: chr13-23907936-C-T.
Other names: c.9638G>A, p.Ser3213Asn (NM_001278055.2); c.10106G>A, p.Ser3369Asn (NM_001437336.1); short protein forms S3213N, S3360N, S3369N.
Identifiers: ClinVar variation 4682363 (VCV004682363.1).

ClinVar aggregate classification (germline): Uncertain significance (1 of 4 stars; one submission).

gnomAD v4.1: 4 of 1,613,798 alleles (0.00025%); highest among the groups gnomAD compares: Non-Finnish European, 0.00025%; no homozygotes.

Submission:

Athena Diagnostics
Classification: Uncertain significance. Last evaluated: 2025-08-11. Review status: criteria provided, single submitter. Criteria: Athena Diagnostics Criteria. Collection method: clinical testing. Allele origin: unknown.
Comment: Available data are insufficient to determine the clinical significance of the variant at this time. This variant has not been reported in large, multi-ethnic general populations. Computational tools disagree on the variant's effect on normal protein function.